The following is an entry in ClinVar:

NM_005120.3(MED12):c.3691+4C>A

Gene: MED12 (mediator complex subunit 12; plus strand). Cytogenetic location: Xq13.1.
Variant type: single nucleotide variant.
Coding change: c.3691+4C>A on transcript NM_005120.3 (MANE Select); 4 bases into the intron after coding-DNA position 3691, C replaced by A.
Molecular consequence: intron variant.
Genome position (GRCh38, 1-based): chrX:71,129,433, C>A. VCF-style: chrX-71129433-C-A. GRCh37 (hg19) VCF-style: chrX-70349283-C-A.
Identifiers: ClinVar variation 3728708 (VCV003728708.2).

ClinVar aggregate classification (germline): Uncertain significance (1 of 4 stars; one submission).

Conditions:
FG syndrome (FGS). Identifiers: MedGen C0220769, MONDO:0002010.

Submission:

Labcorp Genetics (formerly Invitae), Labcorp
Classification: Uncertain significance for FG syndrome. Last evaluated: 2025-01-08. Review status: criteria provided, single submitter. Criteria: Invitae Variant Classification Sherloc (09022015). Collection method: clinical testing. Allele origin: germline.
Comment: This sequence change falls in intron 26 of the MED12 gene. It does not directly change the encoded amino acid sequence of the MED12 protein. It affects a nucleotide within the consensus splice site. This variant is not present in population databases (gnomAD no frequency). This variant has not been reported in the literature in individuals affected with MED12-related conditions. Variants that disrupt the consensus splice site are a relatively common cause of aberrant splicing (PMID: 17576681, 9536098). Algorithms developed to predict the effect of sequence changes on RNA splicing suggest that this variant is not likely to affect RNA splicing. In summary, the available evidence is currently insufficient to determine the role of this variant in disease. Therefore, it has been classified as a Variant of Uncertain Significance.

Literature cited by the submitters: PubMed 17576681; PubMed 9536098.